The following is an entry in ClinVar:

ClinVar aggregate classification (germline): Uncertain significance. Review status: criteria provided, multiple submitters, no conflicts (2 of 4 stars). 5 submissions from 5 submitters: Uncertain significance (5). Last evaluated 2026-03-05.

Conditions:
Inborn genetic diseases. Identifiers: MedGen C0950123, MeSH D030342.
Developmental and epileptic encephalopathy, 23 (DEE23). Also called: Epileptic encephalopathy, early infantile, 23. Identifiers: Orphanet 411986, MedGen C4014492, MONDO:0014371, OMIM 615859.

Allele frequency attached by ClinVar (database versions not stated): TOPMed 0.00013; gnomAD 0.00015 and 0.00016; ESP Exome Variant Server 0.00023; ExAC 0.00036.
gnomAD v4.1: 367 of 1,611,680 alleles (0.023%); highest among the groups gnomAD compares: Non-Finnish European, 0.03%; no homozygotes.

Submissions (5):

GeneDx
Classification: Uncertain significance. Last evaluated: 2026-03-05. Review status: criteria provided, single submitter. Criteria: GeneDx Variant Classification Process June 2021. Collection method: clinical testing. Allele origin: germline.
Comment: In silico analysis supports that this missense variant has a deleterious effect on protein structure/function; Has not been previously published as pathogenic or benign to our knowledge

Labcorp Genetics (formerly Invitae), Labcorp
Classification: Uncertain significance for Developmental and epileptic encephalopathy, 23. Last evaluated: 2026-02-02. Review status: criteria provided, single submitter. Criteria: Invitae Variant Classification Sherloc (09022015). Collection method: clinical testing. Allele origin: germline.
Comment: This sequence change replaces proline, which is neutral and non-polar, with threonine, which is neutral and polar, at codon 860 of the DOCK7 protein (p.Pro860Thr). This variant is present in population databases (rs150032045, gnomAD 0.05%). This variant has not been reported in the literature in individuals affected with DOCK7-related conditions. ClinVar contains an entry for this variant (Variation ID: 541905). Invitae Evidence Modeling of protein sequence and biophysical properties (such as structural, functional, and spatial information, amino acid conservation, physicochemical variation, residue mobility, and thermodynamic stability) indicates that this missense variant is not expected to disrupt DOCK7 protein function with a negative predictive value of 80%. In summary, the available evidence is currently insufficient to determine the role of this variant in disease. Therefore, it has been classified as a Variant of Uncertain Significance.

Genome-Nilou Lab
Classification: Uncertain significance for Developmental and epileptic encephalopathy, 23. Last evaluated: 2023-04-11. Review status: criteria provided, single submitter. Criteria: ACMG Guidelines, 2015. Collection method: clinical testing. Allele origin: germline. Affected: no.

Ambry Genetics
Classification: Uncertain significance for Inborn genetic diseases. Last evaluated: 2022-07-04. Review status: criteria provided, single submitter. Criteria: Ambry Variant Classification Scheme 2023. Collection method: clinical testing. Allele origin: germline.

CeGaT Center for Human Genetics Tuebingen
Classification: Uncertain significance. Last evaluated: 2017-07-01. Review status: criteria provided, single submitter. Criteria: CeGaT Center For Human Genetics Tuebingen Variant Classification Criteria Version 2. Collection method: clinical testing. Allele origin: germline. Affected: yes. Observed: 1 variant allele.

NM_001367561.1(DOCK7):c.2578C>A (p.Pro860Thr)

Gene: DOCK7 (dedicator of cytokinesis 7; minus strand). Cytogenetic location: 1p31.3.
Variant type: single nucleotide variant.
Coding change: c.2578C>A on transcript NM_001367561.1 (MANE Select); coding-DNA position 2578, C replaced by A.
Protein change: p.Pro860Thr; replaces proline 860 with threonine.
Molecular consequence: missense variant.
Genome position (GRCh38, 1-based): chr1:62,555,843, G>T on the plus strand (C>A on the coding strand, the complement: DOCK7 is on the minus strand). VCF-style: chr1-62555843-G-T. GRCh37 (hg19) VCF-style: chr1-63021514-G-T.
Other names: c.2578C>A (NM_033407.2); c.2578C>A, p.Pro860Thr (NM_001271999.2, NM_001272000.2, NM_001272001.2 and 2 more transcripts); short protein forms P860T.
Identifiers: ClinVar variation 541905 (VCV000541905.51), dbSNP rs150032045, ClinGen allele CA886237.